The following is an entry in ClinVar:

NM_001128425.2(MUTYH):c.5C>T (p.Thr2Ile)

Genes: MUTYH (mutY DNA glycosylase; minus strand), TOE1 (target of EGR1, exonuclease; plus strand). Cytogenetic location: 1p34.1.
Variant type: single nucleotide variant.
Coding change: c.5C>T on transcript NM_001128425.2 (MANE Plus Clinical); coding-DNA position 5, C replaced by T.
Protein change: p.Thr2Ile; replaces threonine 2 with isoleucine.
Molecular consequence: missense variant. On other transcripts: 5 prime UTR variant (8), non-coding transcript variant (3).
Genome position (GRCh38, 1-based): chr1:45,340,250, G>A on the plus strand (C>T on the coding strand, the complement: MUTYH is on the minus strand). VCF-style: chr1-45340250-G-A. GRCh37 (hg19) VCF-style: chr1-45805922-G-A.
Other names: c.-3G>A (NM_025077.4); c.-38C>T (NM_001048171.2); c.5C>T, p.Thr2Ile (NM_001293190.2, NM_001407069.1, NM_001407073.1 and 1 more transcripts); c.-250C>T (NM_001293192.2); c.-309C>T (NM_001350650.2); c.-245C>T (NM_001350651.2); c.-54C>T (NM_001407070.1, NM_001407071.1); c.-34C>T (NM_001407072.1); short protein forms T2I.
Identifiers: ClinVar variation 1449503 (VCV001449503.9), dbSNP rs2149249222, ClinGen allele CA340137914.
Genomic context (GRCh38, chr1:45,340,250, plus strand): 5'-CCAGGAGACGGACCGCAAGTCCAGCGTACCCACAGACGACTCAGGCGGGAGACGAGCGGT[G>A]TCATGGCCGCCGACAGTGACGATGGCGCAGTTTCAGCTCCCGCAGCTTCCGACGGTGAGC-3'
Protein context (NP_001121897.1, residues 1-12): M[Thr2Ile]PLVSRLSRLW

ClinVar aggregate classification (germline): Uncertain significance. Review status: criteria provided, multiple submitters, no conflicts (2 of 4 stars). 2 submissions from 2 submitters: Uncertain significance (2). Last evaluated 2025-05-27.

Conditions:
Hereditary cancer-predisposing syndrome. Also called: Tumor predisposition; Neoplastic Syndromes, Hereditary; Hereditary Cancer Syndrome; Hereditary neoplastic syndrome. Identifiers: Orphanet 140162, MedGen C0027672, MeSH D009386, MONDO:0015356.
Familial adenomatous polyposis 2. Also called: Adenomas, multiple colorectal; COLORECTAL ADENOMATOUS POLYPOSIS, AUTOSOMAL RECESSIVE; ADENOMAS, MULTIPLE COLORECTAL, AUTOSOMAL RECESSIVE; FAP type 2; MYH-associated polyposis; MUTYH-associated polyposis. Identifiers: Orphanet 220460, Orphanet 247798, MedGen C3272841, MONDO:0012041, OMIM 608456.

Submissions (2):

Ambry Genetics
Classification: Uncertain significance for Hereditary cancer-predisposing syndrome. Last evaluated: 2025-05-27. Review status: criteria provided, single submitter. Criteria: Ambry Variant Classification Scheme 2023. Collection method: clinical testing. Allele origin: germline.
Comment: The p.T2I variant (also known as c.5C>T), located in coding exon 1 of the MUTYH gene, results from a C to T substitution at nucleotide position 5. The threonine at codon 2 is replaced by isoleucine, an amino acid with similar properties. This amino acid position is conserved. In addition, this alteration is predicted to be tolerated by in silico analysis. Based on the available evidence, the clinical significance of this variant remains unclear.

Labcorp Genetics (formerly Invitae), Labcorp
Classification: Uncertain significance for Familial adenomatous polyposis 2. Last evaluated: 2022-11-26. Review status: criteria provided, single submitter. Criteria: Invitae Variant Classification Sherloc (09022015). Collection method: clinical testing. Allele origin: germline.
Comment: In summary, the available evidence is currently insufficient to determine the role of this variant in disease. Therefore, it has been classified as a Variant of Uncertain Significance. Algorithms developed to predict the effect of missense changes on protein structure and function output the following: SIFT: "Tolerated"; PolyPhen-2: "Benign"; Align-GVGD: "Class C0". The isoleucine amino acid residue is found in multiple mammalian species, which suggests that this missense change does not adversely affect protein function. ClinVar contains an entry for this variant (Variation ID: 1449503). This variant has not been reported in the literature in individuals affected with MUTYH-related conditions. This variant is not present in population databases (gnomAD no frequency). This sequence change replaces threonine, which is neutral and polar, with isoleucine, which is neutral and non-polar, at codon 2 of the MUTYH protein (p.Thr2Ile).